The following is an entry in ClinVar:

NM_001308210.2(TSHZ1):c.1327A>C (p.Lys443Gln)

Genes: TSHZ1 (teashirt zinc finger homeobox 1; plus strand), LOC125371439 (Sharpr-MPRA regulatory region 9768; plus strand). Cytogenetic location: 18q22.3.
Variant type: single nucleotide variant.
Coding change: c.1327A>C on transcript NM_001308210.2 (MANE Select); coding-DNA position 1327, A replaced by C.
Protein change: p.Lys443Gln; replaces lysine 443 with glutamine.
Molecular consequence: missense variant.
Genome position (GRCh38, 1-based): chr18:75,286,734, A>C. VCF-style: chr18-75286734-A-C. GRCh37 (hg19) VCF-style: chr18-72998689-A-C.
Other names: c.1192A>C, p.Lys398Gln (NM_005786.6); short protein forms K398Q, K443Q.
Identifiers: ClinVar variation 3233807 (VCV003233807.2), dbSNP rs767021398, ClinGen allele CA9002011.
Genomic context (GRCh38, chr18:75,286,734, plus strand): 5'-AGCTCCCACGACACGCTGCAGCAGCTCACCGCCCACATGATGGTCACCGGGCACTTCCTG[A>C]AAGTGACCACCTCGGCTTCTAAGAAGGGCAAGCAGTTGGTGCTGGACCCTGTGGTGGAAG-3'
Protein context (NP_001295139.1, residues 433-453): AHMMVTGHFL[Lys443Gln]VTTSASKKGK

ClinVar aggregate classification (germline): Uncertain significance (1 of 4 stars; one submission).

Allele frequency attached by ClinVar (database versions not stated): gnomAD exomes below 0.00001; TOPMed below 0.00001; ExAC 0.00001; gnomAD 0.00001.
gnomAD v4.1: 2 of 1,613,604 alleles (0.00012%); highest among the groups gnomAD compares: Admixed American, 0.0017%; no homozygotes.

Submission:

Women's Health and Genetics/Laboratory Corporation of America, LabCorp
Classification: Uncertain significance. Last evaluated: 2024-03-22. Review status: criteria provided, single submitter. Criteria: LabCorp Variant Classification Summary - May 2015. Collection method: clinical testing. Allele origin: germline.
Comment: Variant summary: TSHZ1 c.1192A>C (p.Lys398Gln) results in a conservative amino acid change in the encoded protein sequence. Two of four in-silico tools predict a benign effect of the variant on protein function. The variant allele was found at a frequency of 4e-06 in 250824 control chromosomes. The available data on variant occurrences in the general population are insufficient to allow any conclusion about variant significance. To our knowledge, no occurrence of c.1192A>C in individuals affected with Aural Atresia, Congenital and no experimental evidence demonstrating its impact on protein function have been reported. No submitters have cited clinical-significance assessments for this variant to ClinVar. Based on the evidence outlined above, the variant was classified as uncertain significance.